The following is an entry in ClinVar:

NM_001079843.3(CASZ1):c.4020+11_4020+27del

Gene: CASZ1 (castor zinc finger 1; minus strand). Cytogenetic location: 1p36.22.
Variant type: Deletion.
Coding change: c.4020+11_4020+27del on transcript NM_001079843.3 (MANE Select); bases 11 to 27 of the intron after coding-DNA position 4020, 17 bases deleted (CCCCCAGGTGAGAGCCC).
Molecular consequence: splice donor variant.
Genome position (GRCh38, 1-based): chr1:10,643,133-10,643,149, GGGCTCTCACCTGGGGG deleted on the plus strand (CCCCCAGGTGAGAGCCC on the coding strand, the reverse complement: CASZ1 is on the minus strand); deleting any 17 consecutive bases within chr1:10,643,133-10,643,164 gives the same sequence; the c. name uses the placement nearest the transcript's 3' end. VCF-style (leftmost placement, unchanged base first): chr1-10643132-TGGGCTCTCACCTGGGGG-T. GRCh37 (hg19) VCF-style: chr1-10703189-TGGGCTCTCACCTGGGGG-T.
Identifiers: ClinVar variation 3604339 (VCV003604339.2).

ClinVar aggregate classification (germline): Uncertain significance (1 of 4 stars; one submission).

Submission:

Labcorp Genetics (formerly Invitae), Labcorp
Classification: Uncertain significance. Last evaluated: 2024-06-15. Review status: criteria provided, single submitter. Criteria: Invitae Variant Classification Sherloc (09022015). Collection method: clinical testing. Allele origin: germline.
Comment: This sequence change falls in intron 19 of the CASZ1 gene. It does not directly change the encoded amino acid sequence of the CASZ1 protein. The frequency data for this variant in the population databases is considered unreliable, as metrics indicate poor data quality at this position in the gnomAD database. This variant has not been reported in the literature in individuals affected with CASZ1-related conditions. Experimental studies and prediction algorithms are not available or were not evaluated, and the effect of this variant on mRNA splicing is currently unknown. In summary, the available evidence is currently insufficient to determine the role of this variant in disease. Therefore, it has been classified as a Variant of Uncertain Significance.